The following is an entry in ClinVar:

ClinVar aggregate classification (germline): Conflicting classifications of pathogenicity. Review status: criteria provided, conflicting classifications (1 of 4 stars). 3 submissions from 3 submitters: Uncertain significance (1); Likely benign (1). 1 of the submissions does not count toward it. Last evaluated 2024-09-26.

Conditions:
SEMA3E-related disorder. Also called: SEMA3E-related condition.
CHARGE syndrome (CHARGE). Also called: Hittner Hirsch Kreh syndrome; CHARGE ASSOCIATION--COLOBOMA, HEART ANOMALY, CHOANAL ATRESIA, RETARDATION, GENITAL AND EAR ANOMALIES; Coloboma, heart anomaly, choanal atresia, retardation, genital and ear anomalies; CHARGE association; Hall-Hittner syndrome. Identifiers: Orphanet 138, MedGen C0265354, MONDO:0008965.

Allele frequency attached by ClinVar (database versions not stated): ExAC 0.00001; TOPMed 0.00003; gnomAD 0.00004.

Submissions (3):

Labcorp Genetics (formerly Invitae), Labcorp
Classification: Uncertain significance for CHARGE syndrome. Last evaluated: 2024-09-26. Review status: criteria provided, single submitter. Criteria: Invitae Variant Classification Sherloc (09022015). Collection method: clinical testing. Allele origin: germline.
Comment: This sequence change replaces glycine, which is neutral and non-polar, with arginine, which is basic and polar, at codon 267 of the SEMA3E protein (p.Gly267Arg). This variant is present in population databases (rs773103107, gnomAD 0.02%). This variant has not been reported in the literature in individuals affected with SEMA3E-related conditions. Invitae Evidence Modeling of protein sequence and biophysical properties (such as structural, functional, and spatial information, amino acid conservation, physicochemical variation, residue mobility, and thermodynamic stability) indicates that this missense variant is expected to disrupt SEMA3E protein function with a positive predictive value of 80%. In summary, the available evidence is currently insufficient to determine the role of this variant in disease. Therefore, it has been classified as a Variant of Uncertain Significance.

Blueprint Genetics
Classification: Likely benign. Last evaluated: 2022-07-11. Review status: criteria provided, single submitter. Criteria: ACMG Guidelines, 2015. Collection method: clinical testing. Allele origin: germline.

PreventionGenetics, part of Exact Sciences
Classification: Uncertain significance for SEMA3E-related condition. Last evaluated: 2024-02-07. Review status: no assertion criteria provided. Collection method: clinical testing. Allele origin: germline. Not counted in ClinVar's aggregate classification.
Comment: The SEMA3E c.799G>A variant is predicted to result in the amino acid substitution p.Gly267Arg. To our knowledge, this variant has not been reported in the literature. This variant is reported in 0.012% of alleles in individuals of African descent in gnomAD. At this time, the clinical significance of this variant is uncertain due to the absence of conclusive functional and genetic evidence.

NM_012431.3(SEMA3E):c.799G>A (p.Gly267Arg)

Gene: SEMA3E (semaphorin 3E; minus strand). Cytogenetic location: 7q21.11.
Variant type: single nucleotide variant.
Coding change: c.799G>A on transcript NM_012431.3 (MANE Select); coding-DNA position 799, G replaced by A.
Protein change: p.Gly267Arg; replaces glycine 267 with arginine.
Molecular consequence: missense variant.
Genome position (GRCh38, 1-based): chr7:83,407,111, C>T on the plus strand (G>A on the coding strand, the complement: SEMA3E is on the minus strand). VCF-style: chr7-83407111-C-T. GRCh37 (hg19) VCF-style: chr7-83036427-C-T.
Other names: c.799G>A (NM_012431.2); c.619G>A, p.Gly207Arg (NM_001178129.2); short protein forms G207R, G267R.
Identifiers: ClinVar variation 2902574 (VCV002902574.6), dbSNP rs773103107, ClinGen allele CA4322214.